The following is an entry in ClinVar:

NM_001297.5(CNGB1):c.1402C>T (p.Gln468Ter)

Gene: CNGB1 (cyclic nucleotide gated channel subunit beta 1; minus strand). Cytogenetic location: 16q21.
Variant type: single nucleotide variant.
Coding change: c.1402C>T on transcript NM_001297.5 (MANE Select); coding-DNA position 1402, C replaced by T.
Protein change: p.Gln468Ter; replaces glutamine 468 with a stop codon.
Molecular consequence: nonsense.
Genome position (GRCh38, 1-based): chr16:57,931,849, G>A on the plus strand (C>T on the coding strand, the complement: CNGB1 is on the minus strand). VCF-style: chr16-57931849-G-A. GRCh37 (hg19) VCF-style: chr16-57965753-G-A.
Other names: c.1384C>T, p.Gln462Ter (NM_001286130.2); short protein forms Q462*, Q468*.
Identifiers: ClinVar variation 1070100 (VCV001070100.7), dbSNP rs1961361358, ClinGen allele CA396071025.
Genomic context (GRCh38, chr16:57,931,849, plus strand): 5'-TTGAGGGTGGATTCTCTTCTGCCATGAGGGGGCAGCTATCAGCATCAGTATCTTCCACCT[G>A]CACTTCTGGGTGCTGTTTCGTGGCAGGCACTGGGGGAGAGGAAGGAGAGGAGAAAGTCAG-3'

ClinVar aggregate classification (germline): Pathogenic (1 of 4 stars; one submission).

Allele frequency attached by ClinVar (database versions not stated): TOPMed below 0.00001; gnomAD 0.00001.
gnomAD v4.1: 1 of 1,614,038 alleles (0.000062%); no homozygotes.

Submission:

Labcorp Genetics (formerly Invitae), Labcorp
Classification: Pathogenic. Last evaluated: 2020-06-23. Review status: criteria provided, single submitter. Criteria: Invitae Variant Classification Sherloc (09022015). Collection method: clinical testing. Allele origin: germline.
Comment: For these reasons, this variant has been classified as Pathogenic. Loss-of-function variants in CNGB1 are known to be pathogenic (PMID: 15557452, 24043777). Algorithms developed to predict the effect of sequence changes on RNA splicing suggest that this variant may create or strengthen a splice site, but this prediction has not been confirmed by published transcriptional studies. This variant has not been reported in the literature in individuals with CNGB1-related conditions. This variant is not present in population databases (ExAC no frequency). This sequence change creates a premature translational stop signal (p.Gln468*) in the CNGB1 gene. It is expected to result in an absent or disrupted protein product.

Literature cited by the submitters: PubMed 15557452; PubMed 24043777.